The following is an entry in ClinVar:

ClinVar aggregate classification (germline): Likely benign. Review status: criteria provided, multiple submitters, no conflicts (2 of 4 stars). 2 submissions from 2 submitters: Likely benign (2). Last evaluated 2025-04-25.

Conditions:
INPP5E-related disorder. Also called: INPP5E-related condition.
Joubert syndrome. Also called: Familial aplasia of the vermis; JOUBERT-BOLTSHAUSER SYNDROME. Identifiers: Orphanet 475, MedGen C5979921, MONDO:0018772.

Allele frequency attached by ClinVar (database versions not stated): ExAC 0.00001; gnomAD exomes 0.00001 and 0.00003; TOPMed 0.00002; gnomAD 0.00003.

Submissions (2):

PreventionGenetics, part of Exact Sciences
Classification: Likely benign for INPP5E-related condition. Last evaluated: 2025-04-25. Review status: criteria provided, single submitter. Criteria: ACMG Guidelines, 2015. Collection method: clinical testing. Allele origin: germline.
Comment: This variant is classified as likely benign based on ACMG/AMP sequence variant interpretation guidelines (Richards et al. 2015 PMID: 25741868, with internal and published modifications).

Labcorp Genetics (formerly Invitae), Labcorp
Classification: Likely benign for Joubert syndrome. Last evaluated: 2022-06-22. Review status: criteria provided, single submitter. Criteria: Invitae Variant Classification Sherloc (09022015). Collection method: clinical testing. Allele origin: germline.

NM_019892.6(INPP5E):c.1614C>T (p.Ile538=)

Gene: INPP5E (inositol polyphosphate-5-phosphatase E; minus strand). Cytogenetic location: 9q34.3.
Variant type: single nucleotide variant.
Coding change: c.1614C>T on transcript NM_019892.6 (MANE Select); coding-DNA position 1614, C replaced by T.
Protein change: p.Ile538=; no amino-acid change (isoleucine 538 retained).
Molecular consequence: synonymous variant.
Genome position (GRCh38, 1-based): chr9:136,431,053, G>A on the plus strand (C>T on the coding strand, the complement: INPP5E is on the minus strand). VCF-style: chr9-136431053-G-A. GRCh37 (hg19) VCF-style: chr9-139325505-G-A.
Other names: c.1611C>T, p.Ile537= (NM_001318502.2); c.1614C>T (NM_019892.5).
Identifiers: ClinVar variation 1555974 (VCV001555974.12), dbSNP rs778220171, ClinGen allele CA5336715.
Genomic context (GRCh38, chr9:136,431,053, plus strand): 5'-AGGCCTCACCGTGTATGAGGGCGTCCTCTGCTTGGAGGTGCTGTCGTACGTGTCCTTCCC[G>A]ATGTCAAACTTGTATGATGGGAGGAAGTGGATGTCCGGCTCCTGGAAGCCCTTGAAGATG-3'
Protein context (NP_063945.2, residues 528-548): IHFLPSYKFD[Ile538=]GKDTYDSTSK